The following is an entry in ClinVar:

NM_001148.6(ANK2):c.11736C>T (p.Gly3912=)

Gene: ANK2 (ankyrin 2; plus strand). Cytogenetic location: 4q26.
Variant type: single nucleotide variant.
Coding change: c.11736C>T on transcript NM_001148.6 (MANE Select); coding-DNA position 11736, C replaced by T.
Protein change: p.Gly3912=; no amino-acid change (glycine 3912 retained).
Molecular consequence: synonymous variant. On other transcripts: intron variant (9).
Genome position (GRCh38, 1-based): chr4:113,373,326, C>T. VCF-style: chr4-113373326-C-T. GRCh37 (hg19) VCF-style: chr4-114294482-C-T.
Other names: c.5454C>T, p.Gly1818= (NM_001127493.3); c.5493C>T, p.Gly1831= (NM_001354225.2); c.5475C>T, p.Gly1825= (NM_001354228.2); c.5460C>T, p.Gly1820= (NM_001354230.2); c.5616C>T, p.Gly1872= (NM_001354231.2); c.5610C>T, p.Gly1870= (NM_001354232.2); c.5571C>T, p.Gly1857= (NM_001354235.2); c.5379C>T, p.Gly1793= (NM_001354236.2); and 50 more.
Identifiers: ClinVar variation 1978994 (VCV001978994.6), dbSNP rs2096809373, ClinGen allele CA440840226.

ClinVar aggregate classification (germline): Uncertain significance. Review status: criteria provided, multiple submitters, no conflicts (2 of 4 stars). 2 submissions from 2 submitters: Uncertain significance (2). Last evaluated 2026-01-06.

Conditions:
Cardiovascular phenotype. Identifiers: MedGen CN230736.
Long QT syndrome (LQTS). Identifiers: MedGen C0023976, MeSH D008133, MONDO:0002442. Disease mechanism: loss of function. Inheritance: Various modes of inheritance.

Allele frequency attached by ClinVar (database versions not stated): gnomAD exomes below 0.00001; TOPMed below 0.00001; gnomAD 0.00001.
gnomAD v4.1: 4 of 1,613,944 alleles (0.00025%); highest among the groups gnomAD compares: Non-Finnish European, 0.00034%; no homozygotes.

Submissions (2):

Labcorp Genetics (formerly Invitae), Labcorp
Classification: Uncertain significance for Long QT syndrome. Last evaluated: 2026-01-06. Review status: criteria provided, single submitter. Criteria: Invitae Variant Classification Sherloc (09022015). Collection method: clinical testing. Allele origin: germline.
Comment: This sequence change affects codon 3912 of the ANK2 mRNA. It is a 'silent' change, meaning that it does not change the encoded amino acid sequence of the ANK2 protein. This variant is not present in population databases (gnomAD no frequency). This variant has not been reported in the literature in individuals affected with ANK2-related conditions. ClinVar contains an entry for this variant (Variation ID: 1978994). Algorithms developed to predict the effect of sequence changes on RNA splicing suggest that this variant may create or strengthen a splice site. In summary, the available evidence is currently insufficient to determine the role of this variant in disease. Therefore, it has been classified as a Variant of Uncertain Significance.

Ambry Genetics
Classification: Uncertain significance for Cardiovascular phenotype. Last evaluated: 2023-09-05. Review status: criteria provided, single submitter. Criteria: Ambry Variant Classification Scheme 2023. Collection method: clinical testing. Allele origin: germline.
Comment: The c.11736C>T variant (also known as p.G3912G), located in coding exon 45 of the ANK2 gene, results from a C to T substitution at nucleotide position 11736. This nucleotide substitution does not change the glycine at codon 3912. This nucleotide position is highly conserved in available vertebrate species. In silico splice site analysis predicts that this alteration may result in the creation or strengthening of a novel splice acceptor site. Since supporting evidence is limited at this time, the clinical significance of this alteration remains unclear.